The following is an entry in ClinVar:

NM_004947.5(DOCK3):c.5301C>T (p.Pro1767=)

Gene: DOCK3 (dedicator of cytokinesis 3; plus strand). Cytogenetic location: 3p21.2.
Variant type: single nucleotide variant.
Coding change: c.5301C>T on transcript NM_004947.5 (MANE Select); coding-DNA position 5301, C replaced by T.
Protein change: p.Pro1767=; no amino-acid change (proline 1767 retained).
Molecular consequence: synonymous variant.
Genome position (GRCh38, 1-based): chr3:51,374,476, C>T. VCF-style: chr3-51374476-C-T. GRCh37 (hg19) VCF-style: chr3-51411907-C-T.
Identifiers: ClinVar variation 780029 (VCV000780029.30), dbSNP rs182091387, ClinGen allele CA2421996.

ClinVar aggregate classification (germline): Benign/Likely benign. Review status: criteria provided, multiple submitters, no conflicts (2 of 4 stars). 4 submissions from 4 submitters: Benign (2); Likely benign (1). 1 of the submissions does not count toward it. Last evaluated 2026-09-01.

Conditions:
DOCK3-related disorder. Also called: DOCK3-related condition.

Allele frequency attached by ClinVar (database versions not stated): 1000 Genomes Project 30x 0.00187; 1000 Genomes Project 0.00220; ESP Exome Variant Server 0.00246; TOPMed 0.00256; gnomAD exomes 0.00268 and 0.00387; gnomAD 0.00299 and 0.00309; ExAC 0.00330.
gnomAD v4.1: 6,176 of 1,612,970 alleles (0.38%); highest among the groups gnomAD compares: Non-Finnish European, 0.44%; 16 homozygotes.

Submissions (4):

CeGaT Center for Human Genetics Tuebingen
Classification: Likely benign. Last evaluated: 2026-09-01. Review status: criteria provided, single submitter. Criteria: CeGaT Center For Human Genetics Tuebingen Variant Classification Criteria Version 2. Collection method: clinical testing. Allele origin: germline. Affected: yes. Observed: 21 variant alleles.
Comment: DOCK3: BP4, BS2

Labcorp Genetics (formerly Invitae), Labcorp
Classification: Benign. Last evaluated: 2019-12-31. Review status: criteria provided, single submitter. Criteria: Invitae Variant Classification Sherloc (09022015). Collection method: clinical testing. Allele origin: germline.

Breakthrough Genomics
Classification: Benign. Review status: criteria provided, single submitter. Criteria: ACMG Guidelines, 2015. Collection method: not provided. Allele origin: germline. Inheritance: Autosomal recessive inheritance. Affected: yes.

PreventionGenetics, part of Exact Sciences
Classification: Likely benign for DOCK3-related condition. Last evaluated: 2019-06-19. Review status: no assertion criteria provided. Collection method: clinical testing. Allele origin: germline. Not counted in ClinVar's aggregate classification.
Comment: This variant is classified as likely benign based on ACMG/AMP sequence variant interpretation guidelines (Richards et al. 2015 PMID: 25741868, with internal and published modifications).